The following is an entry in ClinVar:

ClinVar aggregate classification (germline): Likely benign. Review status: criteria provided, multiple submitters, no conflicts (2 of 4 stars). 5 submissions from 5 submitters: Likely benign (4). 1 of the submissions does not count toward it. Last evaluated 2026-07-01.

Conditions:
Kleefstra syndrome 1 (KLEFS1). Identifiers: Orphanet 261494, MedGen C0795833, MONDO:0027407, OMIM 610253.
EHMT1-related disorder. Also called: EHMT1-related condition.
Inborn genetic diseases. Identifiers: MedGen C0950123, MeSH D030342.

Allele frequency attached by ClinVar (database versions not stated): ExAC 0.00011; gnomAD exomes 0.00011; gnomAD 0.00014 and 0.00015; ESP Exome Variant Server 0.00015; 1000 Genomes Project 30x 0.00016; TOPMed 0.00016; 1000 Genomes Project 0.00020.
gnomAD v4.1: 274 of 1,614,118 alleles (0.017%); highest among the groups gnomAD compares: Non-Finnish European, 0.021%; no homozygotes.

Submissions (5):

CeGaT Center for Human Genetics Tuebingen
Classification: Likely benign. Last evaluated: 2026-07-01. Review status: criteria provided, single submitter. Criteria: CeGaT Center For Human Genetics Tuebingen Variant Classification Criteria Version 2. Collection method: clinical testing. Allele origin: germline. Affected: yes. Observed: 1 variant allele.
Comment: EHMT1: BP4, BP7

Labcorp Genetics (formerly Invitae), Labcorp
Classification: Likely benign for Kleefstra syndrome 1. Last evaluated: 2026-01-05. Review status: criteria provided, single submitter. Criteria: Invitae Variant Classification Sherloc (09022015). Collection method: clinical testing. Allele origin: germline.

GeneDx
Classification: Likely benign. Last evaluated: 2021-04-21. Review status: criteria provided, single submitter. Criteria: GeneDx Variant Classification Process June 2021. Collection method: clinical testing. Allele origin: germline. Affected: yes.

Ambry Genetics
Classification: Likely benign for Inborn genetic diseases. Last evaluated: 2017-07-11. Review status: criteria provided, single submitter. Criteria: Ambry Variant Classification Scheme 2023. Collection method: clinical testing. Allele origin: germline.

PreventionGenetics, part of Exact Sciences
Classification: Likely benign for EHMT1-related condition. Last evaluated: 2024-09-28. Review status: no assertion criteria provided. Collection method: clinical testing. Allele origin: germline. Not counted in ClinVar's aggregate classification.
Comment: This variant is classified as likely benign based on ACMG/AMP sequence variant interpretation guidelines (Richards et al. 2015 PMID: 25741868, with internal and published modifications).

NM_024757.5(EHMT1):c.3495C>T (p.Ala1165=)

Gene: EHMT1 (euchromatic histone lysine methyltransferase 1; plus strand). Cytogenetic location: 9q34.3.
Variant type: single nucleotide variant.
Coding change: c.3495C>T on transcript NM_024757.5 (MANE Select); coding-DNA position 3495, C replaced by T.
Protein change: p.Ala1165=; no amino-acid change (alanine 1165 retained).
Molecular consequence: synonymous variant.
Genome position (GRCh38, 1-based): chr9:137,818,093, C>T. VCF-style: chr9-137818093-C-T. GRCh37 (hg19) VCF-style: chr9-140712545-C-T.
Other names: c.3474C>T, p.Ala1158= (NM_001354263.2).
Identifiers: ClinVar variation 770044 (VCV000770044.18), dbSNP rs148485081, ClinGen allele CA5375344.